The following is an entry in ClinVar:

ClinVar aggregate classification (germline): Uncertain significance. Review status: criteria provided, multiple submitters, no conflicts (2 of 4 stars). 2 submissions from 2 submitters: Uncertain significance (2). Last evaluated 2023-05-23.

Conditions:
Inborn genetic diseases. Identifiers: MedGen C0950123, MeSH D030342.

Allele frequency attached by ClinVar (database versions not stated): TOPMed 0.00001; gnomAD 0.00003; ExAC 0.00006.

Submissions (2):

Ambry Genetics
Classification: Uncertain significance for Inborn genetic diseases. Last evaluated: 2023-05-23. Review status: criteria provided, single submitter. Criteria: Ambry Variant Classification Scheme 2023. Collection method: clinical testing. Allele origin: germline.

Labcorp Genetics (formerly Invitae), Labcorp
Classification: Uncertain significance. Last evaluated: 2022-07-18. Review status: criteria provided, single submitter. Criteria: Invitae Variant Classification Sherloc (09022015). Collection method: clinical testing. Allele origin: germline.
Comment: In summary, the available evidence is currently insufficient to determine the role of this variant in disease. Therefore, it has been classified as a Variant of Uncertain Significance. Algorithms developed to predict the effect of missense changes on protein structure and function (SIFT, PolyPhen-2, Align-GVGD) all suggest that this variant is likely to be disruptive. This variant has not been reported in the literature in individuals affected with GPAA1-related conditions. This variant is present in population databases (rs781826790, gnomAD 0.02%). This sequence change replaces glycine, which is neutral and non-polar, with arginine, which is basic and polar, at codon 244 of the GPAA1 protein (p.Gly244Arg).

NM_003801.4(GPAA1):c.730G>A (p.Gly244Arg)

Gene: GPAA1 (glycosylphosphatidylinositol anchor attachment 1; plus strand). Cytogenetic location: 8q24.3.
Variant type: single nucleotide variant.
Coding change: c.730G>A on transcript NM_003801.4 (MANE Select); coding-DNA position 730, G replaced by A.
Protein change: p.Gly244Arg; replaces glycine 244 with arginine.
Molecular consequence: missense variant.
Genome position (GRCh38, 1-based): chr8:144,084,247, G>A. VCF-style: chr8-144084247-G-A. GRCh37 (hg19) VCF-style: chr8-145139150-G-A.
Other names: c.730G>A (NM_003801.3); short protein forms G244R.
Identifiers: ClinVar variation 1917451 (VCV001917451.5), dbSNP rs781826790, ClinGen allele CA4932913.